The following is an entry in ClinVar:

NM_006904.7(PRKDC):c.12163A>G (p.Asn4055Asp)

Gene: PRKDC (protein kinase, DNA-activated, catalytic subunit; minus strand). Cytogenetic location: 8q11.21.
Variant type: single nucleotide variant.
Coding change: c.12163A>G on transcript NM_006904.7 (MANE Select); coding-DNA position 12163, A replaced by G.
Protein change: p.Asn4055Asp; replaces asparagine 4055 with aspartic acid.
Molecular consequence: missense variant.
Genome position (GRCh38, 1-based): chr8:47,776,863, T>C on the plus strand (A>G on the coding strand, the complement: PRKDC is on the minus strand). VCF-style: chr8-47776863-T-C. GRCh37 (hg19) VCF-style: chr8-48689424-T-C.
Other names: c.12070A>G, p.Asn4024Asp (NM_001081640.2); short protein forms N4024D, N4055D.
Identifiers: ClinVar variation 1751587 (VCV001751587.2), dbSNP rs2551859506, ClinGen allele CA371126947.
Genomic context (GRCh38, chr8:47,776,863, plus strand): 5'-GTCGGTAGTCCGTTAGTTTTTTCCACATATAAAAATCTTACCAAGTAATGACTGCTGGAT[T>C]GGCACCTGCTAACTTTCTCTTAGCGTAACATATTTTCTGTCGGGGGTACCAATTTTTTTC-3'
Protein context (NP_008835.5, residues 4045-4065): CYAKRKLAGA[Asn4055Asp]PAVITCDELL

ClinVar aggregate classification (germline): Uncertain significance (1 of 4 stars; one submission).

Submission:

Ambry Genetics
Classification: Uncertain significance. Last evaluated: 2021-06-23. Review status: criteria provided, single submitter. Criteria: Ambry Variant Classification Scheme 2023. Collection method: clinical testing. Allele origin: germline.
Comment: The p.N4055D variant (also known as c.12163A>G), located in coding exon 85 of the PRKDC gene, results from an A to G substitution at nucleotide position 12163. The asparagine at codon 4055 is replaced by aspartic acid, an amino acid with highly similar properties. This amino acid position is conserved. In addition, this alteration is predicted to be tolerated by in silico analysis. Since supporting evidence is limited at this time, the clinical significance of this alteration remains unclear.